The following is an entry in ClinVar:

ClinVar aggregate classification (germline): Uncertain significance (1 of 4 stars; one submission).

Submission:

Dasa
Classification: Uncertain significance. Last evaluated: 2026-06-02. Review status: criteria provided, single submitter. Criteria: DASA Assertion Criteria. Collection method: clinical testing. Allele origin: germline.
Comment: NM_015557.3(CHD5):c.443A>G (p.Tyr148Cys) is a missense variant that results in the substitution of tyrosine with cysteine. This variant is rare in population databases. Computational prediction algorithms are consistent with a deleterious effect. The currently available literature and clinical evidence are not sufficient to establish a definitive association between this variant and the reported condition. Therefore, this variant is classified as a variant of uncertain significance.

NM_015557.3(CHD5):c.443A>G (p.Tyr148Cys)

Gene: CHD5 (chromodomain helicase DNA binding protein 5; minus strand). Cytogenetic location: 1p36.31.
Variant type: single nucleotide variant.
Coding change: c.443A>G on transcript NM_015557.3 (MANE Select); coding-DNA position 443, A replaced by G.
Protein change: p.Tyr148Cys; replaces tyrosine 148 with cysteine.
Molecular consequence: missense variant.
Genome position (GRCh38, 1-based): chr1:6,155,662, T>C on the plus strand (A>G on the coding strand, the complement: CHD5 is on the minus strand). VCF-style: chr1-6155662-T-C. GRCh37 (hg19) VCF-style: chr1-6215722-T-C.
Other names: short protein forms Y148C.
Identifiers: ClinVar variation 5020442 (VCV005020442.1).
Genomic context (GRCh38, chr1:6,155,662, plus strand): 5'-AGGAACTGGCTGAAGGCCTTGTAGTTGGTCAGCGTGTGGTAATCCTCCTCCGAGAACAGG[T>C]AGTCCACGTCGTCCAGGCCCCACTCGGCCATGAGCTGCCCCGAGGACTTGGGCTCCTACA-3'
Protein context (NP_056372.1, residues 138-158): MAEWGLDDVD[Tyr148Cys]LFSEEDYHTL